The following is an entry in ClinVar:

NM_212482.4(FN1):c.3216C>A (p.Asn1072Lys)

Gene: FN1 (fibronectin 1; minus strand). Cytogenetic location: 2q35.
Variant type: single nucleotide variant.
Coding change: c.3216C>A on transcript NM_212482.4 (MANE Select); coding-DNA position 3216, C replaced by A.
Protein change: p.Asn1072Lys; replaces asparagine 1072 with lysine.
Molecular consequence: missense variant.
Genome position (GRCh38, 1-based): chr2:215,404,426, G>T on the plus strand (C>A on the coding strand, the complement: FN1 is on the minus strand). VCF-style: chr2-215404426-G-T. GRCh37 (hg19) VCF-style: chr2-216269149-G-T.
Other names: c.3216C>A, p.Asn1072Lys (NM_001306129.2, NM_001306130.2, NM_001306131.2 and 13 more transcripts); short protein forms N1072K.
Identifiers: ClinVar variation 2631222 (VCV002631222.1), dbSNP rs2470004269, ClinGen allele CA350489082.
Genomic context (GRCh38, chr2:215,404,426, plus strand): 5'-AAGGCACTTAATTTTCAGCTTACGTGTGGTAAAGACTCCAGTGGCTTTGGGGCTCTCTTG[G>T]TTGCCCTTTATGGCCACGAGGGATACGGTGTACTCAGATGCAGGCTGCAGATTCCTCAGT-3'
Protein context (NP_997647.2, residues 1062-1082): YTVSLVAIKG[Asn1072Lys]QESPKATGVF

ClinVar aggregate classification (germline): Uncertain significance (1 of 4 stars; one submission).

Conditions:
FN1-related disorder. Also called: FN1-related condition.

Submission:

PreventionGenetics, part of Exact Sciences
Classification: Uncertain significance for FN1-related condition. Last evaluated: 2023-08-14. Review status: criteria provided, single submitter. Criteria: ACMG Guidelines, 2015. Collection method: clinical testing. Allele origin: germline.
Comment: The FN1 c.3216C>A variant is predicted to result in the amino acid substitution p.Asn1072Lys. To our knowledge, this variant has not been reported in the literature or in a large population database, indicating this variant is rare. At this time, the clinical significance of this variant is uncertain due to the absence of conclusive functional and genetic evidence.